The following is an entry in ClinVar:

NM_024426.6(WT1):c.887+16G>A

Gene: WT1 (WT1 transcription factor; minus strand). Cytogenetic location: 11p13.
Variant type: single nucleotide variant.
Coding change: c.887+16G>A on transcript NM_024426.6 (MANE Select); 16 bases into the intron after coding-DNA position 887, G replaced by A.
Molecular consequence: intron variant.
Genome position (GRCh38, 1-based): chr11:32,427,940, C>T on the plus strand (G>A on the coding strand, the complement: WT1 is on the minus strand). VCF-style: chr11-32427940-C-T. GRCh37 (hg19) VCF-style: chr11-32449486-C-T.
Other names: c.764+16G>A (NM_001407050.1, NM_001407047.1); c.887+16G>A (NM_001407048.1, NM_001407049.1, NM_000378.6 and 4 more transcripts); c.125+16G>A (NM_001407051.1); c.236+16G>A (NM_001198552.2, NM_001198551.2).
Identifiers: ClinVar variation 261716 (VCV000261716.15), dbSNP rs1799933, ClinGen allele CA065737.

ClinVar aggregate classification (germline): Benign/Likely benign. Review status: criteria provided, multiple submitters, no conflicts (2 of 4 stars). 12 submissions from 8 submitters: Benign (11); Likely benign (1). Last evaluated 2026-02-04.

Conditions:
Meacham syndrome. Also called: Meacham Winn Culler syndrome. Identifiers: Orphanet 3097, MedGen C1837026, MONDO:0012164, OMIM 608978.
Drash syndrome (DDS). Also called: NEPHROPATHY, WILMS TUMOR, AND GENITAL ANOMALIES; WILMS TUMOR AND PSEUDO- OR TRUE HERMAPHRODITISM. Identifiers: Orphanet 220, MedGen C0950121, MONDO:0008682, OMIM 194080.
Frasier syndrome. Identifiers: Orphanet 347, MedGen C0950122, MeSH D052159, MONDO:0007635, OMIM 136680.
Wilms tumor 1 (WT1). Also called: Wilms tumor, somatic. Identifiers: Orphanet 654, MedGen CN033288, MONDO:0008679, OMIM 194070.
11p partial monosomy syndrome (WAGR). Also called: CHROMOSOME 11p13 DELETION SYNDROME; WAGR Complex; WAGR syndrome; WAGR Spectrum Disorder. Identifiers: Orphanet 893, MedGen C0206115, MONDO:0008681, OMIM 194072.
Nephrotic syndrome, type 4 (NPHS4). Also called: Familial mesangial sclerosis; Nephrotic syndrome, early onset with diffuse mesangial sclerosis. Identifiers: Orphanet 656, MedGen C3151568, MONDO:0009733, OMIM 256370.

Allele frequency attached by ClinVar (database versions not stated): gnomAD exomes 0.15221 and 0.16286; ExAC 0.22028; gnomAD 0.25971 and 0.26810; 1000 Genomes Project 0.26138; 1000 Genomes Project 30x 0.27139; TOPMed 0.27537; ESP Exome Variant Server 0.28711.
gnomAD v4.1: 261,185 of 1,601,882 alleles (16%); highest among the groups gnomAD compares: African/African-American, 59%; 29,928 homozygotes.

Submissions (12):

Labcorp Genetics (formerly Invitae), Labcorp
Classification: Benign for Wilms tumor 1; Drash syndrome; 11p partial monosomy syndrome; Frasier syndrome. Last evaluated: 2026-02-04. Review status: criteria provided, single submitter. Criteria: Invitae Variant Classification Sherloc (09022015). Collection method: clinical testing. Allele origin: germline.

Blueprint Genetics
Classification: Likely benign. Last evaluated: 2024-11-27. Review status: criteria provided, single submitter. Criteria: ACMG Guidelines, 2015. Collection method: clinical testing. Allele origin: germline.

KCCC/NGS Laboratory, Kuwait Cancer Control Center
Classification: Benign for Wilms tumor 1. Last evaluated: 2023-07-07. Review status: criteria provided, single submitter. Criteria: ACMG Guidelines, 2015. Collection method: clinical testing. Allele origin: germline. Affected: yes.

Genome-Nilou Lab
Classification: Benign for Drash syndrome. Last evaluated: 2021-12-05. Review status: criteria provided, single submitter. Criteria: ACMG Guidelines, 2015. Collection method: clinical testing. Allele origin: germline. Affected: no.

Genome-Nilou Lab
Classification: Benign for Frasier syndrome. Last evaluated: 2021-12-05. Review status: criteria provided, single submitter. Criteria: ACMG Guidelines, 2015. Collection method: clinical testing. Allele origin: germline. Affected: no.

Genome-Nilou Lab
Classification: Benign for Meacham syndrome. Last evaluated: 2021-12-05. Review status: criteria provided, single submitter. Criteria: ACMG Guidelines, 2015. Collection method: clinical testing. Allele origin: germline. Affected: no.

Genome-Nilou Lab
Classification: Benign for Nephrotic syndrome, type 4. Last evaluated: 2021-12-05. Review status: criteria provided, single submitter. Criteria: ACMG Guidelines, 2015. Collection method: clinical testing. Allele origin: germline. Affected: no.

Genome-Nilou Lab
Classification: Benign for Wilms tumor 1. Last evaluated: 2021-12-05. Review status: criteria provided, single submitter. Criteria: ACMG Guidelines, 2015. Collection method: clinical testing. Allele origin: germline. Affected: no.

Women's Health and Genetics/Laboratory Corporation of America, LabCorp
Classification: Benign. Last evaluated: 2016-05-26. Review status: criteria provided, single submitter. Criteria: LabCorp Variant Classification Summary - May 2015. Collection method: clinical testing. Allele origin: germline.
Comment: Variant summary: The WT1 c.872+16G>A variant involves the alteration of a non-conserved intronic nucleotide. One in silico tool predicts a benign outcome for this variant. 5/5 splice prediction tools predict no significant impact on normal splicing. However, these predictions have yet to be confirmed by functional studies. This variant was found in 18201/82628 control chromosomes (2511 homozygotes), predominantly observed in the South Asian subpopulation at a frequency of 0.6155869 (5150/8366). This frequency is about 65662 times the estimated maximal expected allele frequency of a pathogenic WT1 variant (0.0000094), suggesting this is likely a benign polymorphism found primarily in the populations of South Asian origin. Taken together, this variant is classified as benign.

GeneDx
Classification: Benign. Last evaluated: 2016-04-05. Review status: criteria provided, single submitter. Criteria: GeneDx Variant Classification (06012015). Collection method: clinical testing. Allele origin: germline. Affected: yes.
Comment: This variant is considered likely benign or benign based on one or more of the following criteria: it is a conservative change, it occurs at a poorly conserved position in the protein, it is predicted to be benign by multiple in silico algorithms, and/or has population frequency not consistent with disease.

Breakthrough Genomics
Classification: Benign. Review status: criteria provided, single submitter. Criteria: ACMG Guidelines, 2015. Collection method: not provided. Allele origin: germline. Inheritance: Autosomal dominant inheritance. Affected: yes.

PreventionGenetics, part of Exact Sciences
Classification: Benign. Review status: criteria provided, single submitter. Criteria: ACMG Guidelines, 2015. Collection method: clinical testing. Allele origin: germline.

Literature cited by the submitters: PubMed 26358501 (cited by Women's Health and Genetics/Laboratory Corporation of America, LabCorp).